The following is an entry in ClinVar:

NM_001080517.3(SETD5):c.2006G>C (p.Gly669Ala)

Gene: SETD5 (SET domain containing 5; plus strand). Cytogenetic location: 3p25.3.
Variant type: single nucleotide variant.
Coding change: c.2006G>C on transcript NM_001080517.3 (MANE Select); coding-DNA position 2006, G replaced by C.
Protein change: p.Gly669Ala; replaces glycine 669 with alanine.
Molecular consequence: missense variant.
Genome position (GRCh38, 1-based): chr3:9,447,909, G>C. VCF-style: chr3-9447909-G-C. GRCh37 (hg19) VCF-style: chr3-9489593-G-C.
Other names: c.1712G>C, p.Gly571Ala (NM_001292043.2, NM_001349451.2); short protein forms G571A, G669A.
Identifiers: ClinVar variation 1197887 (VCV001197887.37), dbSNP rs199595728, ClinGen allele CA2239336.

ClinVar aggregate classification (germline): Conflicting classifications of pathogenicity. Review status: criteria provided, conflicting classifications (1 of 4 stars). 6 submissions from 6 submitters: Uncertain significance (1); Likely benign (4). 1 of the submissions does not count toward it. Last evaluated 2025-07-30.

Conditions:
SETD5-related disorder. Also called: SETD5-related disorders; SETD5-related condition.

Allele frequency attached by ClinVar (database versions not stated): gnomAD exomes 0.00029; ExAC 0.00032; gnomAD 0.00032 and 0.00033; TOPMed 0.00035; ESP Exome Variant Server 0.00057.
gnomAD v4.1: 786 of 1,613,944 alleles (0.049%); highest among the groups gnomAD compares: South Asian, 0.059%; 1 homozygote.

Submissions (6):

Labcorp Genetics (formerly Invitae), Labcorp
Classification: Likely benign. Last evaluated: 2025-07-30. Review status: criteria provided, single submitter. Criteria: Invitae Variant Classification Sherloc (09022015). Collection method: clinical testing. Allele origin: germline.

Laboratory of Genetics, Children's Clinical University Hospital Latvia
Classification: Likely benign. Last evaluated: 2025-02-16. Review status: criteria provided, single submitter. Criteria: ACMG Guidelines, 2015. Collection method: clinical testing. Allele origin: germline. Affected: yes.

CeGaT Center for Human Genetics Tuebingen
Classification: Likely benign. Last evaluated: 2024-09-01. Review status: criteria provided, single submitter. Criteria: CeGaT Center For Human Genetics Tuebingen Variant Classification Criteria Version 2. Collection method: clinical testing. Allele origin: germline. Affected: yes. Observed: 3 variant alleles.
Comment: SETD5: BP4, BS2

GeneDx
Classification: Likely benign. Last evaluated: 2019-10-16. Review status: criteria provided, single submitter. Criteria: GeneDx Variant Classification Process June 2021. Collection method: clinical testing. Allele origin: germline. Affected: yes.

Genetic Services Laboratory, University of Chicago
Classification: Uncertain significance. Last evaluated: 2018-05-12. Review status: criteria provided, single submitter. Criteria: ACMG Guidelines, 2015. Collection method: clinical testing. Allele origin: germline. Affected: no.

PreventionGenetics, part of Exact Sciences
Classification: Likely benign for SETD5-related condition. Last evaluated: 2022-06-23. Review status: no assertion criteria provided. Collection method: clinical testing. Allele origin: germline. Not counted in ClinVar's aggregate classification.
Comment: This variant is classified as likely benign based on ACMG/AMP sequence variant interpretation guidelines (Richards et al. 2015 PMID: 25741868, with internal and published modifications).